The following is an entry in ClinVar:

ClinVar aggregate classification (germline): Uncertain significance (1 of 4 stars; one submission).

Conditions:
Familial sleep-related hypermotor epilepsy. Also called: Autosomal Dominant Sleep-Related Hypermotor (Hyperkinetic) Epilepsy. Identifiers: Orphanet 98784, MedGen C3696898, MONDO:0000030.

Allele frequency attached by ClinVar (database versions not stated): gnomAD exomes 0.00001.
gnomAD v4.1: 7 of 1,605,078 alleles (0.00044%); highest among the groups gnomAD compares: Non-Finnish European, 0.0006%; no homozygotes.

Submission:

Labcorp Genetics (formerly Invitae), Labcorp
Classification: Uncertain significance. Last evaluated: 2023-12-07. Review status: criteria provided, single submitter. Criteria: Invitae Variant Classification Sherloc (09022015). Collection method: clinical testing. Allele origin: germline.
Comment: This sequence change replaces leucine, which is neutral and non-polar, with proline, which is neutral and non-polar, at codon 393 of the CHRNA2 protein (p.Leu393Pro). This variant is not present in population databases (gnomAD no frequency). This variant has not been reported in the literature in individuals affected with CHRNA2-related conditions. ClinVar contains an entry for this variant (Variation ID: 1356319). Advanced modeling of protein sequence and biophysical properties (such as structural, functional, and spatial information, amino acid conservation, physicochemical variation, residue mobility, and thermodynamic stability) performed at Invitae indicates that this missense variant is not expected to disrupt CHRNA2 protein function with a negative predictive value of 95%. In summary, the available evidence is currently insufficient to determine the role of this variant in disease. Therefore, it has been classified as a Variant of Uncertain Significance.

NM_000742.4(CHRNA2):c.1178T>C (p.Leu393Pro)

Gene: CHRNA2 (cholinergic receptor nicotinic alpha 2 subunit; minus strand). Cytogenetic location: 8p21.2.
Variant type: single nucleotide variant.
Coding change: c.1178T>C on transcript NM_000742.4 (MANE Select); coding-DNA position 1178, T replaced by C.
Protein change: p.Leu393Pro; replaces leucine 393 with proline.
Molecular consequence: missense variant.
Genome position (GRCh38, 1-based): chr8:27,463,265, A>G on the plus strand (T>C on the coding strand, the complement: CHRNA2 is on the minus strand). VCF-style: chr8-27463265-A-G. GRCh37 (hg19) VCF-style: chr8-27320782-A-G.
Other names: c.1133T>C, p.Leu378Pro (NM_001282455.2); c.701T>C, p.Leu234Pro (NM_001347705.2, NM_001347706.2); c.584T>C, p.Leu195Pro (NM_001347707.2, NM_001347708.2); short protein forms L234P, L195P, L378P, L393P.
Identifiers: ClinVar variation 1356319 (VCV001356319.8), dbSNP rs2132651312, ClinGen allele CA370809268.
Genomic context (GRCh38, chr8:27,463,265, plus strand): 5'-CTCTCCTCGGCATCCACGTTGCTCTCCAGCCAGTGATAAGAGGGGCTGAGCTTCAGGCGT[A>G]GGGGGTGGCAGAGCTCCACGGGTGGTGGGGGCCGGTTCATCAGAAGCCACCGGGGCACAC-3'
Protein context (NP_000733.2, residues 383-403): PPPPVELCHP[Leu393Pro]RLKLSPSYHW